The following is an entry in ClinVar:

NM_020779.4(WDR35):c.2064-1G>A

Gene: WDR35 (WD repeat domain 35; minus strand). Cytogenetic location: 2p24.1.
Variant type: single nucleotide variant.
Coding change: c.2064-1G>A on transcript NM_020779.4 (MANE Select); the canonical splice acceptor site of the intron before coding-DNA position 2064, G replaced by A.
Molecular consequence: splice acceptor variant.
Genome position (GRCh38, 1-based): chr2:19,937,947, C>T on the plus strand (G>A on the coding strand, the complement: WDR35 is on the minus strand). VCF-style: chr2-19937947-C-T. GRCh37 (hg19) VCF-style: chr2-20137708-C-T.
Other names: c.2097-1G>A (NM_001006657.2).
Identifiers: ClinVar variation 4849389 (VCV004849389.1).

ClinVar aggregate classification (germline): Likely pathogenic (1 of 4 stars; one submission).

Conditions:
Cranioectodermal dysplasia 2 (CED2). Identifiers: Orphanet 1515, MedGen C3150874, MONDO:0013323, OMIM 613610.
Short-rib thoracic dysplasia 7 with or without polydactyly (SRTD7). Also called: Short rib polydactyly syndrome 5; SHORT-RIB THORACIC DYSPLASIA 7 WITH POLYDACTYLY. Identifiers: Orphanet 498497, Orphanet 93271, MedGen C3279792, MONDO:0013569, OMIM 614091.

Submission:

First Genomix Gene Laboratory, Genetic Diagnostics Department
Classification: Likely pathogenic for Cranioectodermal dysplasia 2; Short-rib thoracic dysplasia 7 with or without polydactyly. Last evaluated: 2025-06-19. Review status: criteria provided, single submitter. Criteria: ACMG Guidelines, 2015. Collection method: clinical testing. Allele origin: germline. Inheritance: Autosomal recessive inheritance. Affected: no. Observed: 1 variant allele.